The following is an entry in ClinVar:

NM_000550.3(TYRP1):c.740C>T (p.Pro247Leu)

Gene: TYRP1 (tyrosinase related protein 1; plus strand). Cytogenetic location: 9p23.
Variant type: single nucleotide variant.
Coding change: c.740C>T on transcript NM_000550.3 (MANE Select); coding-DNA position 740, C replaced by T.
Protein change: p.Pro247Leu; replaces proline 247 with leucine.
Molecular consequence: missense variant.
Genome position (GRCh38, 1-based): chr9:12,698,482, C>T. VCF-style: chr9-12698482-C-T. GRCh37 (hg19) VCF-style: chr9-12698482-C-T.
Other names: short protein forms P247L.
Identifiers: ClinVar variation 1910486 (VCV001910486.4), dbSNP rs747320688, ClinGen allele CA4985314.

ClinVar aggregate classification (germline): Likely pathogenic (1 of 4 stars; one submission).

Allele frequency attached by ClinVar (database versions not stated): ExAC 0.00001; gnomAD exomes 0.00002.
gnomAD v4.1: 22 of 1,613,720 alleles (0.0014%); highest among the groups gnomAD compares: Non-Finnish European, 0.0019%; no homozygotes.

Submission:

Labcorp Genetics (formerly Invitae), Labcorp
Classification: Likely pathogenic. Last evaluated: 2024-03-04. Review status: criteria provided, single submitter. Criteria: Invitae Variant Classification Sherloc (09022015). Collection method: clinical testing. Allele origin: germline.
Comment: This sequence change replaces proline, which is neutral and non-polar, with leucine, which is neutral and non-polar, at codon 247 of the TYRP1 protein (p.Pro247Leu). This variant is present in population databases (rs747320688, gnomAD 0.002%). This missense change has been observed in individual(s) with oculocutaneous albinism (Invitae). In at least one individual the data is consistent with being in trans (on the opposite chromosome) from a pathogenic variant. ClinVar contains an entry for this variant (Variation ID: 1910486). Advanced modeling of protein sequence and biophysical properties (such as structural, functional, and spatial information, amino acid conservation, physicochemical variation, residue mobility, and thermodynamic stability) performed at Invitae indicates that this missense variant is expected to disrupt TYRP1 protein function with a positive predictive value of 80%. In summary, the currently available evidence indicates that the variant is pathogenic, but additional data are needed to prove that conclusively. Therefore, this variant has been classified as Likely Pathogenic.